The following is an entry in ClinVar:

ClinVar aggregate classification (germline): Likely benign (0 of 4 stars; one submission).

Allele frequency attached by ClinVar (database versions not stated): gnomAD exomes 0.00030; ExAC 0.00040; gnomAD 0.00088 and 0.00089; ESP Exome Variant Server 0.00093; TOPMed 0.00107; 1000 Genomes Project 30x 0.00141; 1000 Genomes Project 0.01258.
gnomAD v4.1: 341 of 1,590,498 alleles (0.021%); highest among the groups gnomAD compares: African/African-American, 0.3%; 15 homozygotes.

Submission:

Department of Pathology and Laboratory Medicine, Sinai Health System
Classification: Likely benign. Review status: no assertion criteria provided. Collection method: clinical testing. Allele origin: unknown. Affected: yes. Study: The Canadian Open Genetics Repository (COGR).
Comment: The APOBEC3B R326H variant was not identified in the literature nor was it identified in ClinVar. The variant was identified in dbSNP (ID: rs1053813) and in control databases in 102 of 273218 chromosomes (4 homozygous) at a frequency of 0.0003733, and was observed at the highest frequency in the African population in 75 of 24726 chromosomes (2 homozygous) (freq: 0.003033) (Genome Aggregation Database March 6, 2019, v2.1.1). The p.R326 residue is not conserved in mammals and computational analyses (MUT Assesor, PolyPhen-2, SIFT, MutationTaster, Revel, FATHMM, MetaLR, DANN) do not suggest a high likelihood of impact to the protein. The variant occurs outside of the splicing consensus sequence and in silico or computational prediction software programs (Splice AI exome) do not predict a difference in splicing. In summary, based on the above information the clinical significance of this variant cannot be determined with certainty at this time although we would lean towards a more benign role for this variant. This variant is classified as likely benign.

NM_004900.5(APOBEC3B):c.1052G>A (p.Arg351His)

Genes: APOBEC3B (apolipoprotein B mRNA editing enzyme catalytic subunit 3B; plus strand), APOBEC3B-AS1 (APOBEC3B antisense RNA 1; minus strand). Cytogenetic location: 22q13.1.
Variant type: single nucleotide variant.
Coding change: c.1052G>A on transcript NM_004900.5 (MANE Select); coding-DNA position 1052, G replaced by A.
Protein change: p.Arg351His; replaces arginine 351 with histidine.
Molecular consequence: missense variant.
Genome position (GRCh38, 1-based): chr22:38,992,067, G>A. VCF-style: chr22-38992067-G-A. GRCh37 (hg19) VCF-style: chr22-39388072-G-A.
Other names: c.977G>A, p.Arg326His (NM_001270411.2); short protein forms R326H, R351H.
Identifiers: ClinVar variation 1050108 (VCV001050108.1), dbSNP rs1053813, ClinGen allele CA10237665.